The following is an entry in ClinVar:

ClinVar aggregate classification (germline): Uncertain significance (1 of 4 stars; one submission).

Conditions:
Dilated cardiomyopathy 1G (CMD1G). Identifiers: Orphanet 154, MedGen C1858763, MONDO:0011400, OMIM 604145.
Autosomal recessive limb-girdle muscular dystrophy type 2J (LGMDR10). Also called: Limb-girdle muscular dystrophy, type 2J; MUSCULAR DYSTROPHY, LIMB-GIRDLE, AUTOSOMAL RECESSIVE 10. Identifiers: Orphanet 140922, MedGen C1837342, MONDO:0012127, OMIM 608807.

Allele frequency attached by ClinVar (database versions not stated): gnomAD exomes below 0.00001.
gnomAD v4.1: 1 of 1,610,884 alleles (0.000062%); highest among the groups gnomAD compares: East Asian, 0.0022%; no homozygotes.

Submission:

Labcorp Genetics (formerly Invitae), Labcorp
Classification: Uncertain significance for Dilated cardiomyopathy 1G; Autosomal recessive limb-girdle muscular dystrophy type 2J. Last evaluated: 2025-05-05. Review status: criteria provided, single submitter. Criteria: Invitae Variant Classification Sherloc (09022015). Collection method: clinical testing. Allele origin: germline.
Comment: This sequence change replaces aspartic acid, which is acidic and polar, with asparagine, which is neutral and polar, at codon 19876 of the TTN protein (p.Asp19876Asn). This variant also falls at the last nucleotide of exon 301, which is part of the consensus splice site for this exon. This variant is present in population databases (no rsID available, gnomAD 0.006%). This missense change has been observed in individual(s) with clinical features of autosomal recessive TTN-related conditions (PMID: 33333461). ClinVar contains an entry for this variant (Variation ID: 649995). Experimental studies and prediction algorithms are not available or were not evaluated, and the functional significance of this variant is currently unknown. Variants that disrupt the consensus splice site are a relatively common cause of aberrant splicing (PMID: 17576681, 9536098). Algorithms developed to predict the effect of sequence changes on RNA splicing suggest that this variant may disrupt the consensus splice site. This variant is located in the A band of TTN (PMID: 25589632). Variants in this region may be relevant for cardiac or neuromuscular disorders (PMID: 25589632, 23975875). In summary, the available evidence is currently insufficient to determine the role of this variant in disease. Therefore, it has been classified as a Variant of Uncertain Significance.

Literature cited by the submitters: PubMed 33333461; PubMed 17576681; PubMed 9536098; PubMed 25589632; PubMed 23975875.

NM_001267550.2(TTN):c.59626G>A (p.Asp19876Asn)

Genes: TTN-AS1 (TTN antisense RNA 1; plus strand), TTN (titin; minus strand), LOC126806424 (CDK7 strongly-dependent group 2 enhancer GRCh37_chr2:179456337-179457536; plus strand). Cytogenetic location: 2q31.2.
Variant type: single nucleotide variant.
Coding change: c.59626G>A on transcript NM_001267550.2 (MANE Select); coding-DNA position 59626, G replaced by A.
Protein change: p.Asp19876Asn; replaces aspartic acid 19876 with asparagine.
Molecular consequence: missense variant.
Genome position (GRCh38, 1-based): chr2:178,592,379, C>T on the plus strand (G>A on the coding strand, the complement: TTN is on the minus strand). VCF-style: chr2-178592379-C-T. GRCh37 (hg19) VCF-style: chr2-179457106-C-T.
Other names: c.54703G>A, p.Asp18235Asn (NM_001256850.1); c.32431G>A, p.Asp10811Asn (NM_003319.4); c.51922G>A, p.Asp17308Asn (NM_133378.4); c.32806G>A, p.Asp10936Asn (NM_133432.3); c.33007G>A, p.Asp11003Asn (NM_133437.4); short protein forms D10811N, D11003N, D17308N, D19876N, D10936N, D18235N.
Identifiers: ClinVar variation 649995 (VCV000649995.3), dbSNP rs1244294413, ClinGen allele CA349492196.
Genomic context (GRCh38, chr2:178,592,379, plus strand): 5'-ATATAAGAGCTCAAAATTATCAAAATTTATTTTTAATGGCCTAAGTAGTAAAATTCTTAC[C>T]TAATACAAGTACTTTTACTGAGACAGTTTTTGAACCAGCTGGATTCTCCACTGTTAAAGA-3'
Protein context (NP_001254479.2, residues 19866-19886): KTVSVKVLVL[Asp19876Asn]KPGPPRDLEV